The following is an entry in ClinVar:

ClinVar aggregate classification (germline): Likely pathogenic. Review status: criteria provided, multiple submitters, no conflicts (2 of 4 stars). 2 submissions from 2 submitters: Likely pathogenic (2). Last evaluated 2024-04-19.

Conditions:
Methylmalonic aciduria, cblA type (MACA). Also called: Vitamin B12-responsive methylmalonic acidemia type cblA; Methylmalonic aciduria, vitamin b12-responsive, due to defect in synthesis of adenosylcobalamin, cbla complementation type; MMA cbl A type; Methylmalonic acidemia cblA type; Methylmalonic aciduria, vitamin B12-responsive. Identifiers: Orphanet 28, Orphanet 79310, MedGen C1855109, MONDO:0009613, OMIM 251100.

Allele frequency attached by ClinVar (database versions not stated): gnomAD exomes below 0.00001; TOPMed below 0.00001; gnomAD 0.00001.
gnomAD v4.1: 2 of 1,614,026 alleles (0.00012%); highest among the groups gnomAD compares: African/African-American, 0.0027%; no homozygotes.

Submissions (2):

GeneDx
Classification: Likely pathogenic. Last evaluated: 2024-04-19. Review status: criteria provided, single submitter. Criteria: GeneDx Variant Classification Process June 2021. Collection method: clinical testing. Allele origin: germline. Affected: yes.
Comment: Nonsense variant predicted to result in protein truncation, as the last 57 amino acids are lost, and other loss-of-function variants have been reported downstream in HGMD; Not observed at significant frequency in large population cohorts (gnomAD); This variant is associated with the following publications: (PMID: 23026888)

Labcorp Genetics (formerly Invitae), Labcorp
Classification: Likely pathogenic for Methylmalonic aciduria, cblA type. Last evaluated: 2018-05-06. Review status: criteria provided, single submitter. Criteria: Invitae Variant Classification Sherloc (09022015). Collection method: clinical testing. Allele origin: germline.
Comment: Algorithms developed to predict the effect of sequence changes on RNA splicing suggest that this variant may create or strengthen a splice site, but this prediction has not been confirmed by published transcriptional studies. The observation of one missense substitution downstream of this variant (p.Gly399Val) in affected individuals suggests that this may be a clinically significant region of the MMAA protein (PMID: 28497574). In summary, the currently available evidence indicates that the variant is pathogenic, but additional data are needed to prove that conclusively. Therefore, this variant has been classified as Likely Pathogenic. This variant has been observed in an individual affected with methylmalonic aciduria (PMID: 23026888). This variant is not present in population databases (ExAC no frequency). This sequence change results in a premature translational stop signal in the MMAA gene (p.Gln362*). While this is not anticipated to result in nonsense mediated decay, it is expected to delete the last 57 amino acids of the MMAA protein.

Literature cited by the submitters: PubMed 28497574 (cited by Labcorp Genetics (formerly Invitae), Labcorp); PubMed 23026888 (cited by Labcorp Genetics (formerly Invitae), Labcorp).

NM_172250.3(MMAA):c.1084C>T (p.Gln362Ter)

Gene: MMAA (metabolism of cobalamin associated A; plus strand). Cytogenetic location: 4q31.21.
Variant type: single nucleotide variant.
Coding change: c.1084C>T on transcript NM_172250.3 (MANE Select); coding-DNA position 1084, C replaced by T.
Protein change: p.Gln362Ter; replaces glutamine 362 with a stop codon.
Molecular consequence: nonsense.
Genome position (GRCh38, 1-based): chr4:145,655,261, C>T. VCF-style: chr4-145655261-C-T. GRCh37 (hg19) VCF-style: chr4-146576413-C-T.
Other names: short protein forms Q362*.
Identifiers: ClinVar variation 576575 (VCV000576575.9), dbSNP rs1560802980, ClinGen allele CA358345748.
Genomic context (GRCh38, chr4:145,655,261, plus strand): 5'-ATGAAAGATTTCCAGGACCTAATGCTTGCCAGTGGGGAGCTGACTGCCAAACGACGGAAG[C>T]AACAGAAAGTTTGGATGTGGAATCTCATTCAGGAAAGTGTGTTAGAGCATTTCAGGACCC-3'